The following is an entry in ClinVar:

ClinVar aggregate classification (germline): Uncertain significance (1 of 4 stars; one submission).

Allele frequency attached by ClinVar (database versions not stated): gnomAD exomes below 0.00001; TOPMed below 0.00001.
gnomAD v4.1: 1 of 1,608,646 alleles (0.000062%); highest among the groups gnomAD compares: Non-Finnish European, 0.000085%; no homozygotes.

Submission:

Labcorp Genetics (formerly Invitae), Labcorp
Classification: Uncertain significance. Last evaluated: 2025-01-13. Review status: criteria provided, single submitter. Criteria: Invitae Variant Classification Sherloc (09022015). Collection method: clinical testing. Allele origin: germline.
Comment: This sequence change replaces threonine, which is neutral and polar, with asparagine, which is neutral and polar, at codon 275 of the CASQ1 protein (p.Thr275Asn). This variant is not present in population databases (gnomAD no frequency). This variant has not been reported in the literature in individuals affected with CASQ1-related conditions. ClinVar contains an entry for this variant (Variation ID: 1482029). Invitae Evidence Modeling of protein sequence and biophysical properties (such as structural, functional, and spatial information, amino acid conservation, physicochemical variation, residue mobility, and thermodynamic stability) indicates that this missense variant is not expected to disrupt CASQ1 protein function with a negative predictive value of 80%. In summary, the available evidence is currently insufficient to determine the role of this variant in disease. Therefore, it has been classified as a Variant of Uncertain Significance.

NM_001231.5(CASQ1):c.824C>A (p.Thr275Asn)

Gene: CASQ1 (calsequestrin 1; plus strand). Cytogenetic location: 1q23.2.
Variant type: single nucleotide variant.
Coding change: c.824C>A on transcript NM_001231.5 (MANE Select); coding-DNA position 824, C replaced by A.
Protein change: p.Thr275Asn; replaces threonine 275 with asparagine.
Molecular consequence: missense variant.
Genome position (GRCh38, 1-based): chr1:160,197,610, C>A. VCF-style: chr1-160197610-C-A. GRCh37 (hg19) VCF-style: chr1-160167400-C-A.
Other names: short protein forms T275N.
Identifiers: ClinVar variation 1482029 (VCV001482029.8), dbSNP rs1654272203, ClinGen allele CA343259609.
Genomic context (GRCh38, chr1:160,197,610, plus strand): 5'-CTCTGTCTGTCTCTTCTAGATCAACCCTGAGGAAACTGAAGCCGGAGAGTATGTATGAGA[C>A]CTGGGTGAGTGCCCCTGGCCAGGGTCAAGCCCTCAGGGAAGCATGGGTGCCAGAAGACTC-3'
Protein context (NP_001222.3, residues 265-285): RKLKPESMYE[Thr275Asn]WEDDMDGIHI